The following is an entry in ClinVar:

ClinVar aggregate classification (germline): Likely benign. Review status: criteria provided, multiple submitters, no conflicts (2 of 4 stars). 2 submissions from 2 submitters: Likely benign (2). Last evaluated 2026-07-01.

Conditions:
Inborn genetic diseases. Identifiers: MedGen C0950123, MeSH D030342.

Allele frequency attached by ClinVar (database versions not stated): gnomAD 0.00001; TOPMed 0.00001; ExAC 0.00003; gnomAD exomes 0.00003 and 0.00007.
gnomAD v4.1: 88 of 1,205,778 alleles (0.0073%); highest among the groups gnomAD compares: Non-Finnish European, 0.0087%; no homozygotes.

Submissions (2):

CeGaT Center for Human Genetics Tuebingen
Classification: Likely benign. Last evaluated: 2026-07-01. Review status: criteria provided, single submitter. Criteria: CeGaT Center For Human Genetics Tuebingen Variant Classification Criteria Version 2. Collection method: clinical testing. Allele origin: germline. Affected: yes. Observed: 2 variant alleles.
Comment: HUWE1: BP4, BP7, BS2

Ambry Genetics
Classification: Likely benign for Inborn genetic diseases. Last evaluated: 2016-10-27. Review status: criteria provided, single submitter. Criteria: Ambry Variant Classification Scheme 2023. Collection method: clinical testing. Allele origin: germline.

NM_031407.7(HUWE1):c.2832G>C (p.Leu944=)

Gene: HUWE1 (HECT, UBA and WWE domain containing E3 ubiquitin protein ligase 1; minus strand). Cytogenetic location: Xp11.22.
Variant type: single nucleotide variant.
Coding change: c.2832G>C on transcript NM_031407.7 (MANE Select); coding-DNA position 2832, G replaced by C.
Protein change: p.Leu944=; no amino-acid change (leucine 944 retained).
Molecular consequence: synonymous variant.
Genome position (GRCh38, 1-based): chrX:53,603,412, C>G on the plus strand (G>C on the coding strand, the complement: HUWE1 is on the minus strand). VCF-style: chrX-53603412-C-G. GRCh37 (hg19) VCF-style: chrX-53630373-C-G.
Identifiers: ClinVar variation 588372 (VCV000588372.15), dbSNP rs782501178, ClinGen allele CA10422672.
Genomic context (GRCh38, chrX:53,603,412, plus strand): 5'-AGAGCCATTCTCTTACCTGTTTGGGGTACACAGAGAGAGGAGGACAGTGCTTTCCCACAC[C>G]AGGGAACAGTATAACTGGCTCAGCTTGCTCAAAACACTCAGACCCAATTGAGAGCCCCAC-3'
Protein context (NP_113584.3, residues 934-954): LSKLSQLYCS[Leu944=]VWESTVLLSL